The following is an entry in ClinVar:

NM_006277.3(ITSN2):c.2218C>T (p.Arg740Cys)

Gene: ITSN2 (intersectin 2; minus strand). Cytogenetic location: 2p23.3.
Variant type: single nucleotide variant.
Coding change: c.2218C>T on transcript NM_006277.3 (MANE Select); coding-DNA position 2218, C replaced by T.
Protein change: p.Arg740Cys; replaces arginine 740 with cysteine.
Molecular consequence: missense variant.
Genome position (GRCh38, 1-based): chr2:24,271,805, G>A on the plus strand (C>T on the coding strand, the complement: ITSN2 is on the minus strand). VCF-style: chr2-24271805-G-A. GRCh37 (hg19) VCF-style: chr2-24494674-G-A.
Other names: c.2176C>T, p.Arg726Cys (NM_001348181.2); c.2137C>T, p.Arg713Cys (NM_001348182.2, NM_001348183.2, NM_001348186.2 and 1 more transcripts); c.2095C>T, p.Arg699Cys (NM_001348184.2); c.2218C>T, p.Arg740Cys (NM_001348185.2, NM_147152.3); short protein forms R726C, R740C, R713C, R699C.
Identifiers: ClinVar variation 3636164 (VCV003636164.2).
Genomic context (GRCh38, chr2:24,271,805, plus strand): 5'-TCAAAGTATCCTTATCCTTACGTTTTTTCTCCTCAGCTTTCAAAGTATCCTTATCCTTAC[G>A]TTGTTTCTCCTCAGCTTTCCGTTCCTCTTCTTGAATTTTTTCTTGTGTTTTTTCTTCCTG-3'
Protein context (NP_006268.2, residues 730-750): EEERKAEEKQ[Arg740Cys]KDKDTLKAEE

ClinVar aggregate classification (germline): Uncertain significance (1 of 4 stars; one submission).

gnomAD v4.1: 53 of 1,604,584 alleles (0.0033%); highest among the groups gnomAD compares: South Asian, 0.052%; 1 homozygote.

Submission:

Labcorp Genetics (formerly Invitae), Labcorp
Classification: Uncertain significance. Last evaluated: 2024-05-17. Review status: criteria provided, single submitter. Criteria: Invitae Variant Classification Sherloc (09022015). Collection method: clinical testing. Allele origin: germline.
Comment: This sequence change replaces arginine, which is basic and polar, with cysteine, which is neutral and slightly polar, at codon 740 of the ITSN2 protein (p.Arg740Cys). This variant is present in population databases (rs778442538, gnomAD 0.06%), and has an allele count higher than expected for a pathogenic variant. This variant has not been reported in the literature in individuals affected with ITSN2-related conditions. Algorithms developed to predict the effect of missense changes on protein structure and function output the following: SIFT: "Not Available"; PolyPhen-2: "Not Available"; Align-GVGD: "Not Available". The cysteine amino acid residue is found in multiple mammalian species, which suggests that this missense change does not adversely affect protein function. In summary, the available evidence is currently insufficient to determine the role of this variant in disease. Therefore, it has been classified as a Variant of Uncertain Significance.